The following is an entry in ClinVar:

NM_001165963.4(SCN1A):c.4002+2374G>A

Genes: SCN1A (sodium voltage-gated channel alpha subunit 1; minus strand), LOC102724058 (uncharacterized LOC102724058; plus strand). Cytogenetic location: 2q24.3.
Variant type: single nucleotide variant.
Coding change: c.4002+2374G>A on transcript NM_001165963.4 (MANE Select); 2374 bases into the intron after coding-DNA position 4002, G replaced by A.
Molecular consequence: intron variant.
Genome position (GRCh38, 1-based): chr2:166,007,345, C>T on the plus strand (G>A on the coding strand, the complement: SCN1A is on the minus strand). VCF-style: chr2-166007345-C-T. GRCh37 (hg19) VCF-style: chr2-166863855-C-T.
Other names: c.3969+2374G>A (NM_001353949.2, NM_001353950.2, NM_001353951.2 and 2 more transcripts); c.3918+2374G>A (NM_001353958.2, NM_001353957.2, NM_001165964.3); c.4002+2374G>A (NM_001202435.3, NM_001353948.2); c.3966+2374G>A (NM_001353955.2, NM_001353954.2); c.3915+2374G>A (NM_001353960.2); c.1560+2374G>A (NM_001353961.2).
Identifiers: ClinVar variation 1556335 (VCV001556335.9), dbSNP rs899082987, ClinGen allele CA59771585.

ClinVar aggregate classification (germline): Uncertain significance (1 of 4 stars; one submission).

Conditions:
Early-infantile DEE. Also called: Early infantile epileptic encephalopathy; Early infantile epileptic encephalopathy with suppression bursts; Ohtahara syndrome. Identifiers: Orphanet 1934, MedGen C0393706, MONDO:0800491.

Allele frequency attached by ClinVar (database versions not stated): gnomAD 0.00001.
gnomAD v4.1: 2 of 151,214 alleles (0.0013%); highest among the groups gnomAD compares: Non-Finnish European, 0.003%; no homozygotes.

Submission:

Labcorp Genetics (formerly Invitae), Labcorp
Classification: Uncertain significance for Early-infantile DEE. Last evaluated: 2024-05-15. Review status: criteria provided, single submitter. Criteria: Invitae Variant Classification Sherloc (09022015). Collection method: clinical testing. Allele origin: germline.
Comment: This sequence change falls in intron 20 of the SCN1A gene. It does not directly change the encoded amino acid sequence of the SCN1A protein. However, this sequence change falls within a region encompassing a cryptic exon in the SCN1A gene, in which variants have been shown to alter splicing (PMID: 30526861, 34107977). This variant is not present in population databases (gnomAD no frequency). This variant has not been reported in the literature in individuals affected with SCN1A-related conditions. ClinVar contains an entry for this variant (Variation ID: 1556335). Algorithms developed to predict the effect of sequence changes on RNA splicing suggest that this variant is not likely to affect RNA splicing. In summary, the available evidence is currently insufficient to determine the role of this variant in disease. Therefore, it has been classified as a Variant of Uncertain Significance.

Literature cited by the submitters: PubMed 30526861; PubMed 34107977.